The following is an entry in ClinVar:

NM_012309.5(SHANK2):c.1323G>T (p.Ser441=)

Gene: SHANK2 (SH3 and multiple ankyrin repeat domains 2; minus strand). Cytogenetic location: 11q13.4.
Variant type: single nucleotide variant.
Coding change: c.1323G>T on transcript NM_012309.5 (MANE Select); coding-DNA position 1323, G replaced by T.
Protein change: p.Ser441=; no amino-acid change (serine 441 retained).
Molecular consequence: synonymous variant.
Genome position (GRCh38, 1-based): chr11:70,820,534, C>A on the plus strand (G>T on the coding strand, the complement: SHANK2 is on the minus strand). VCF-style: chr11-70820534-C-A. GRCh37 (hg19) VCF-style: chr11-70666639-C-A.
Other names: c.186G>T, p.Ser62= (NM_001379226.1).
Identifiers: ClinVar variation 2642095 (VCV002642095.24), dbSNP rs782349957, ClinGen allele CA475811886.

ClinVar aggregate classification (germline): Likely benign (1 of 4 stars; one submission).

gnomAD v4.1: 15 of 716,924 alleles (0.0021%); highest among the groups gnomAD compares: Non-Finnish European, 0.0039%; no homozygotes.

Submission:

CeGaT Center for Human Genetics Tuebingen
Classification: Likely benign. Last evaluated: 2022-12-01. Review status: criteria provided, single submitter. Criteria: CeGaT Center For Human Genetics Tuebingen Variant Classification Criteria Version 2. Collection method: clinical testing. Allele origin: germline. Affected: yes. Observed: 1 variant allele.
Comment: SHANK2: BP4, BP7